The following is an entry in ClinVar:

NM_018942.3(HMX1):c.64G>A (p.Glu22Lys)

Gene: HMX1 (H6 family homeobox 1; minus strand). Cytogenetic location: 4p16.1.
Variant type: single nucleotide variant.
Coding change: c.64G>A on transcript NM_018942.3 (MANE Select); coding-DNA position 64, G replaced by A.
Protein change: p.Glu22Lys; replaces glutamic acid 22 with lysine.
Molecular consequence: missense variant.
Genome position (GRCh38, 1-based): chr4:8,871,551, C>T on the plus strand (G>A on the coding strand, the complement: HMX1 is on the minus strand). VCF-style: chr4-8871551-C-T. GRCh37 (hg19) VCF-style: chr4-8873277-C-T.
Other names: c.64G>A, p.Glu22Lys (NM_001306142.2); short protein forms E22K.
Identifiers: ClinVar variation 2050788 (VCV002050788.4), dbSNP rs1308548251, ClinGen allele CA356279470.
Genomic context (GRCh38, chr4:8,871,551, plus strand): 5'-GGCTGCCGTCGCCCTGGGTCGCGCGCCCTGCGCCCTTGGCCTCGGCCGCCAGCAGGTTCT[C>T]GATGAGGAAGGAGGAGGCGCGGGCCGGCGTGGCGCGCCCGGGCTCCGTCAGCTCGTCAGG-3'
Protein context (NP_061815.2, residues 12-32): TPARASSFLI[Glu22Lys]NLLAAEAKGA

ClinVar aggregate classification (germline): Uncertain significance (1 of 4 stars; one submission).

Allele frequency attached by ClinVar (database versions not stated): gnomAD exomes below 0.00001; TOPMed below 0.00001; gnomAD 0.00001.
gnomAD v4.1: 2 of 1,366,528 alleles (0.00015%); highest among the groups gnomAD compares: Admixed American, 0.0031%; no homozygotes.

Submission:

Labcorp Genetics (formerly Invitae), Labcorp
Classification: Uncertain significance. Last evaluated: 2023-08-04. Review status: criteria provided, single submitter. Criteria: Invitae Variant Classification Sherloc (09022015). Collection method: clinical testing. Allele origin: germline.
Comment: ClinVar contains an entry for this variant (Variation ID: 2050788). This variant is not present in population databases (gnomAD no frequency). This variant has not been reported in the literature in individuals affected with HMX1-related conditions. Advanced modeling of protein sequence and biophysical properties (such as structural, functional, and spatial information, amino acid conservation, physicochemical variation, residue mobility, and thermodynamic stability) performed at Invitae indicates that this missense variant is not expected to disrupt HMX1 protein function. In summary, the available evidence is currently insufficient to determine the role of this variant in disease. Therefore, it has been classified as a Variant of Uncertain Significance. This sequence change replaces glutamic acid, which is acidic and polar, with lysine, which is basic and polar, at codon 22 of the HMX1 protein (p.Glu22Lys).